The following is an entry in ClinVar:

NM_017636.4(TRPM4):c.1885G>T (p.Glu629Ter)

Gene: TRPM4 (transient receptor potential cation channel subfamily M member 4; plus strand). Cytogenetic location: 19q13.33.
Variant type: single nucleotide variant.
Coding change: c.1885G>T on transcript NM_017636.4 (MANE Select); coding-DNA position 1885, G replaced by T.
Protein change: p.Glu629Ter; replaces glutamic acid 629 with a stop codon.
Molecular consequence: nonsense.
Genome position (GRCh38, 1-based): chr19:49,188,957, G>T. VCF-style: chr19-49188957-G-T. GRCh37 (hg19) VCF-style: chr19-49692214-G-T.
Other names: c.1885G>T, p.Glu629Ter (NM_001195227.2); c.1540G>T, p.Glu514Ter (NM_001321281.2); c.277G>T, p.Glu93Ter (NM_001321282.2); c.1363G>T, p.Glu455Ter (NM_001321283.2); c.823G>T, p.Glu275Ter (NM_001321285.2); short protein forms E514*, E629*, E275*, E455*, E93*.
Identifiers: ClinVar variation 3329254 (VCV003329254.1).

ClinVar aggregate classification (germline): Uncertain significance (1 of 4 stars; one submission).

Conditions:
Cardiovascular phenotype. Identifiers: MedGen CN230736.

Submission:

Ambry Genetics
Classification: Uncertain significance for Cardiovascular phenotype. Last evaluated: 2024-06-20. Review status: criteria provided, single submitter. Criteria: Ambry Variant Classification Scheme 2023. Collection method: clinical testing. Allele origin: germline.
Comment: The p.E629* variant (also known as c.1885G>T), located in coding exon 14 of the TRPM4 gene, results from a G to T substitution at nucleotide position 1885. This changes the amino acid from a glutamic acid to a stop codon within coding exon 14. This alteration is expected to result in protein truncation or nonsense-mediated mRNA decay. However, loss of function of TRPM4 has not been established as a mechanism of disease. Based on the available evidence, the clinical significance of this alteration remains unclear.